The following is an entry in ClinVar:

ClinVar aggregate classification (germline): Uncertain significance (1 of 4 stars; one submission).

Conditions:
Autoimmune lymphoproliferative syndrome type 1. Also called: AUTOIMMUNE LYMPHOPROLIFERATIVE SYNDROME, TYPE I, AUTOSOMAL DOMINANT. Identifiers: Orphanet 3261, MedGen C2717884, MONDO:0011158, OMIM 601859.

Allele frequency attached by ClinVar (database versions not stated): TOPMed below 0.00001; gnomAD 0.00001.
gnomAD v4.1: 1 of 1,612,622 alleles (0.000062%); highest among the groups gnomAD compares: Admixed American, 0.0017%; no homozygotes.

Submission:

Labcorp Genetics (formerly Invitae), Labcorp
Classification: Uncertain significance for Autoimmune lymphoproliferative syndrome. Last evaluated: 2023-05-22. Review status: criteria provided, single submitter. Criteria: Invitae Variant Classification Sherloc (09022015). Collection method: clinical testing. Allele origin: germline.
Comment: This variant has not been reported in the literature in individuals affected with FAS-related conditions. In summary, the available evidence is currently insufficient to determine the role of this variant in disease. Therefore, it has been classified as a Variant of Uncertain Significance. Algorithms developed to predict the effect of missense changes on protein structure and function output the following: SIFT: "Not Available"; PolyPhen-2: "Benign"; Align-GVGD: "Not Available". The glutamic acid amino acid residue is found in multiple mammalian species, which suggests that this missense change does not adversely affect protein function. This variant is not present in population databases (gnomAD no frequency). This sequence change replaces aspartic acid, which is acidic and polar, with glutamic acid, which is acidic and polar, at codon 321 of the FAS protein (p.Asp321Glu).

NM_000043.6(FAS):c.963C>G (p.Asp321Glu)

Gene: FAS (Fas cell surface death receptor; plus strand). Cytogenetic location: 10q23.31.
Variant type: single nucleotide variant.
Coding change: c.963C>G on transcript NM_000043.6 (MANE Select); coding-DNA position 963, C replaced by G.
Protein change: p.Asp321Glu; replaces aspartic acid 321 with glutamic acid.
Molecular consequence: missense variant. On other transcripts: 3 prime UTR variant (2), non-coding transcript variant (7).
Genome position (GRCh38, 1-based): chr10:89,014,405, C>G. VCF-style: chr10-89014405-C-G. GRCh37 (hg19) VCF-style: chr10-90774162-C-G.
Other names: c.*286C>G (NM_001320619.2); c.1008C>G, p.Asp336Glu (NM_001410956.1); c.900C>G, p.Asp300Glu (NM_152871.4); c.*275C>G (NM_152872.4); short protein forms D321E, D300E, D336E.
Identifiers: ClinVar variation 2955291 (VCV002955291.3), dbSNP rs1293544858, ClinGen allele CA377510207.